The following is an entry in ClinVar:

NM_000268.4(NF2):c.1371C>G (p.Asp457Glu)

Gene: NF2 (NF2, moesin-ezrin-radixin like (MERLIN) tumor suppressor; plus strand). Cytogenetic location: 22q12.2.
Variant type: single nucleotide variant.
Coding change: c.1371C>G on transcript NM_000268.4 (MANE Select); coding-DNA position 1371, C replaced by G.
Protein change: p.Asp457Glu; replaces aspartic acid 457 with glutamic acid.
Molecular consequence: missense variant. On other transcripts: non-coding transcript variant (1), intron variant (1).
Genome position (GRCh38, 1-based): chr22:29,674,866, C>G. VCF-style: chr22-29674866-C-G. GRCh37 (hg19) VCF-style: chr22-30070855-C-G.
Other names: c.1257C>G, p.Asp419Glu (NM_001407053.1, NM_001407056.1); c.1248C>G, p.Asp416Glu (NM_001407054.1, NM_001407058.1, NM_181829.3); c.1245C>G, p.Asp415Glu (NM_001407055.1, NM_181828.3); c.1236C>G, p.Asp412Glu (NM_001407057.1, NM_001407059.1); c.1371C>G, p.Asp457Glu (NM_001407060.1, NM_001407066.1, NM_016418.5 and 2 more transcripts); c.1113C>G, p.Asp371Glu (NM_001407062.1); c.1122C>G, p.Asp374Glu (NM_001407063.1, NM_001407064.1, NM_181830.3 and 1 more transcripts); c.837C>G, p.Asp279Glu (NM_001407065.1); and 2 more; short protein forms D416E, D457E, D371E, D374E, D412E, D419E, D380E, D279E.
Identifiers: ClinVar variation 5025673 (VCV005025673.1).

ClinVar aggregate classification (germline): Uncertain significance (1 of 4 stars; one submission).

Conditions:
Hereditary cancer-predisposing syndrome. Also called: Neoplastic Syndromes, Hereditary; Tumor predisposition; Hereditary neoplastic syndrome; Hereditary Cancer Syndrome. Identifiers: Orphanet 140162, MedGen C0027672, MeSH D009386, MONDO:0015356.

gnomAD v4.1: 1 of 1,567,012 alleles (0.000064%); highest among the groups gnomAD compares: Non-Finnish European, 0.000087%; no homozygotes.

Submission:

Ambry Genetics
Classification: Uncertain significance for Hereditary cancer-predisposing syndrome. Last evaluated: 2026-07-13. Review status: criteria provided, single submitter. Criteria: Ambry Variant Classification Scheme 2023. Collection method: clinical testing. Allele origin: germline.
Comment: The p.D457E variant (also known as c.1371C>G), located in coding exon 13 of the NF2 gene, results from a C to G substitution at nucleotide position 1371. The aspartic acid at codon 457 is replaced by glutamic acid, an amino acid with highly similar properties. This amino acid position is conserved. In addition, this alteration is predicted to be tolerated by in silico analysis. Based on the available evidence, the clinical significance of this variant remains unclear.